The following is an entry in ClinVar:

NM_002755.4(MAP2K1):c.53C>T (p.Ser18Phe)

Gene: MAP2K1 (mitogen-activated protein kinase kinase 1; plus strand). Cytogenetic location: 15q22.31.
Variant type: single nucleotide variant.
Coding change: c.53C>T on transcript NM_002755.4 (MANE Select); coding-DNA position 53, C replaced by T.
Protein change: p.Ser18Phe; replaces serine 18 with phenylalanine.
Molecular consequence: missense variant.
Genome position (GRCh38, 1-based): chr15:66,387,400, C>T. VCF-style: chr15-66387400-C-T. GRCh37 (hg19) VCF-style: chr15-66679738-C-T.
Other names: short protein forms S18F.
Identifiers: ClinVar variation 3686218 (VCV003686218.2).

ClinVar aggregate classification (germline): Uncertain significance (1 of 4 stars; one submission).

Conditions:
RASopathy. Also called: Noonan spectrum disorder; rasopathies. Identifiers: Orphanet 536391, MedGen C5555857, MONDO:0021060.

gnomAD v4.1: 8 of 1,564,000 alleles (0.00051%); highest among the groups gnomAD compares: Admixed American, 0.015%; no homozygotes.

Submission:

Labcorp Genetics (formerly Invitae), Labcorp
Classification: Uncertain significance for RASopathy. Last evaluated: 2024-03-29. Review status: criteria provided, single submitter. Criteria: Invitae Variant Classification Sherloc (09022015). Collection method: clinical testing. Allele origin: germline.
Comment: This sequence change replaces serine, which is neutral and polar, with phenylalanine, which is neutral and non-polar, at codon 18 of the MAP2K1 protein (p.Ser18Phe). This variant is present in population databases (no rsID available, gnomAD 0.01%). This variant has not been reported in the literature in individuals affected with MAP2K1-related conditions. Advanced modeling of protein sequence and biophysical properties (such as structural, functional, and spatial information, amino acid conservation, physicochemical variation, residue mobility, and thermodynamic stability) performed at Invitae indicates that this missense variant is not expected to disrupt MAP2K1 protein function with a negative predictive value of 95%. In summary, the available evidence is currently insufficient to determine the role of this variant in disease. Therefore, it has been classified as a Variant of Uncertain Significance.